The following is an entry in ClinVar:

ClinVar aggregate classification (germline): Pathogenic. Review status: criteria provided, multiple submitters, no conflicts (2 of 4 stars). 2 submissions from 2 submitters: Pathogenic (2). Last evaluated 2020-08-07.

Conditions:
Birt-Hogg-Dube syndrome. Also called: Birt Hogg Dubé syndrome. Identifiers: Orphanet 122, MedGen C0346010, MONDO:0800444.

Allele frequency attached by ClinVar (database versions not stated): TOPMed below 0.00001.

Submissions (2):

Labcorp Genetics (formerly Invitae), Labcorp
Classification: Pathogenic for Birt-Hogg-Dube syndrome. Last evaluated: 2020-08-07. Review status: criteria provided, single submitter. Criteria: Invitae Variant Classification Sherloc (09022015). Collection method: clinical testing. Allele origin: germline.
Comment: Algorithms developed to predict the effect of sequence changes on RNA splicing suggest that this variant may disrupt the consensus splice site, but this prediction has not been confirmed by published transcriptional studies. For these reasons, this variant has been classified as Pathogenic. Donor and acceptor splice site variants typically lead to a loss of protein function (PMID: 16199547), and loss-of-function variants in FLCN are known to be pathogenic (PMID: 15852235). Disruption of this splice site has been observed in individual(s) with clinical features of Birt-Hogg-Dube syndrome (PMID: 29157599, 30533232, 28558743). ClinVar contains an entry for this variant (Variation ID: 409407). This variant is not present in population databases (ExAC no frequency). This sequence change affects an acceptor splice site in intron 7 of the FLCN gene. It is expected to disrupt RNA splicing and likely results in an absent or disrupted protein product.

GeneDx
Classification: Pathogenic. Last evaluated: 2016-02-11. Review status: criteria provided, single submitter. Criteria: GeneDx Variant Classification (06012015). Collection method: clinical testing. Allele origin: germline. Affected: yes.
Comment: The c.780-1 G>T splice site variant in the FLCN gene destroys the canonical spliceacceptor site in intron 7. It is predicted to cause abnormal gene splicing, either leading to anabnormal message that is subject to nonsense-mediated mRNA decay, or to an abnormalprotein product if the message is used for protein translation. Although this variant hasnot been previously reported to our knowledge, we interpret it as pathogenic.

Literature cited by the submitters: PubMed 16199547 (cited by Labcorp Genetics (formerly Invitae), Labcorp); PubMed 15852235 (cited by Labcorp Genetics (formerly Invitae), Labcorp); PubMed 29157599 (cited by Labcorp Genetics (formerly Invitae), Labcorp); PubMed 30533232 (cited by Labcorp Genetics (formerly Invitae), Labcorp); PubMed 28558743 (cited by Labcorp Genetics (formerly Invitae), Labcorp).

NM_144997.7(FLCN):c.780-1G>T

Gene: FLCN (folliculin; minus strand). Cytogenetic location: 17p11.2.
Variant type: single nucleotide variant.
Coding change: c.780-1G>T on transcript NM_144997.7 (MANE Select); the canonical splice acceptor site of the intron before coding-DNA position 780, G replaced by T.
Molecular consequence: splice acceptor variant.
Genome position (GRCh38, 1-based): chr17:17,221,629, C>A on the plus strand (G>T on the coding strand, the complement: FLCN is on the minus strand). VCF-style: chr17-17221629-C-A. GRCh37 (hg19) VCF-style: chr17-17124943-C-A.
Other names: c.780-1G>T (NM_001353230.2, NM_144606.7, NM_001353231.2); c.834-1G>T (NM_001353229.2).
Identifiers: ClinVar variation 409407 (VCV000409407.6), dbSNP rs878855218, ClinGen allele CA16615114.